The following is an entry in ClinVar:

NM_178822.5(IGSF10):c.2907C>A (p.Phe969Leu)

Gene: IGSF10 (immunoglobulin superfamily member 10; minus strand). Cytogenetic location: 3q25.1.
Variant type: single nucleotide variant.
Coding change: c.2907C>A on transcript NM_178822.5 (MANE Select); coding-DNA position 2907, C replaced by A.
Protein change: p.Phe969Leu; replaces phenylalanine 969 with leucine.
Molecular consequence: missense variant.
Genome position (GRCh38, 1-based): chr3:151,447,074, G>T on the plus strand (C>A on the coding strand, the complement: IGSF10 is on the minus strand). VCF-style: chr3-151447074-G-T. GRCh37 (hg19) VCF-style: chr3-151164862-G-T.
Other names: c.2907C>A, p.Phe969Leu (NM_001385060.1, NM_001385061.1, NM_001385062.1 and 1 more transcripts); short protein forms F969L.
Identifiers: ClinVar variation 3724923 (VCV003724923.2).

ClinVar aggregate classification (germline): Uncertain significance (1 of 4 stars; one submission).

Submission:

Labcorp Genetics (formerly Invitae), Labcorp
Classification: Uncertain significance. Last evaluated: 2024-11-10. Review status: criteria provided, single submitter. Criteria: Invitae Variant Classification Sherloc (09022015). Collection method: clinical testing. Allele origin: germline.
Comment: This sequence change replaces phenylalanine, which is neutral and non-polar, with leucine, which is neutral and non-polar, at codon 969 of the IGSF10 protein (p.Phe969Leu). This variant is not present in population databases (gnomAD no frequency). This variant has not been reported in the literature in individuals affected with IGSF10-related conditions. An algorithm developed to predict the effect of missense changes on protein structure and function outputs the following: PolyPhen-2: "Benign". The leucine amino acid residue is found in multiple mammalian species, which suggests that this missense change does not adversely affect protein function. In summary, the available evidence is currently insufficient to determine the role of this variant in disease. Therefore, it has been classified as a Variant of Uncertain Significance.